The following is an entry in ClinVar:

ClinVar aggregate classification (germline): Likely benign. Review status: criteria provided, multiple submitters, no conflicts (2 of 4 stars). 2 submissions from 2 submitters: Likely benign (2). Last evaluated 2025-01-24.

Conditions:
Hereditary nonpolyposis colorectal neoplasms. Identifiers: MedGen C0009405, MeSH D003123.
Lynch syndrome 4 (LYNCH4). Also called: Hereditary non-polyposis colorectal cancer, type 4; Colorectal cancer, hereditary nonpolyposis, type 4. Identifiers: Orphanet 144, MedGen C1838333, MONDO:0013699, OMIM 614337. Disease mechanism: loss of function.

Submissions (2):

Myriad Genetics, Inc.
Classification: Likely benign for Lynch syndrome 4. Last evaluated: 2025-01-24. Review status: criteria provided, single submitter. Criteria: Myriad Autosomal Dominant, Autosomal Recessive and X-Linked Classification Criteria (2023). Collection method: clinical testing. Allele origin: unknown.
Comment: This variant is considered likely benign. This variant is intronic and is not expected to impact mRNA splicing.

Labcorp Genetics (formerly Invitae), Labcorp
Classification: Likely benign for Hereditary nonpolyposis colorectal neoplasms. Last evaluated: 2022-06-10. Review status: criteria provided, single submitter. Criteria: Invitae Variant Classification Sherloc (09022015). Collection method: clinical testing. Allele origin: germline.

NM_000535.7(PMS2):c.353+9A>G

Gene: PMS2 (PMS1 homolog 2, mismatch repair system component; minus strand). Cytogenetic location: 7p22.1.
Variant type: single nucleotide variant.
Coding change: c.353+9A>G on transcript NM_000535.7 (MANE Select); 9 bases into the intron after coding-DNA position 353, A replaced by G.
Molecular consequence: intron variant.
Genome position (GRCh38, 1-based): chr7:6,003,681, T>C on the plus strand (A>G on the coding strand, the complement: PMS2 is on the minus strand). VCF-style: chr7-6003681-T-C. GRCh37 (hg19) VCF-style: chr7-6043312-T-C.
Other names: c.35+291A>G (NM_001322008.2, NM_001322007.2); c.-53+9A>G (NM_001322010.2, NM_001322004.2, NM_001322013.2 and 3 more transcripts); c.-532+9A>G (NM_001322012.2, NM_001322011.2); c.-132+9A>G (NM_001322015.2); c.353+9A>G (NM_001322006.2, NM_001322014.2).
Identifiers: ClinVar variation 2004376 (VCV002004376.5), dbSNP rs139990791, ClinGen allele CA2580077013.